The following is an entry in ClinVar:

ClinVar aggregate classification (germline): Conflicting classifications of pathogenicity. Review status: criteria provided, conflicting classifications (1 of 4 stars). 3 submissions from 3 submitters: Pathogenic (2); Uncertain significance (1). Last evaluated 2026-07-17.

Conditions:
Intellectual developmental disorder, autosomal dominant 64. Also called: MENTAL RETARDATION, AUTOSOMAL DOMINANT 64. Identifiers: MedGen C5543067, MONDO:0030934, OMIM 619188.

Allele frequency attached by ClinVar (database versions not stated): TOPMed below 0.00001; gnomAD 0.00001.
gnomAD v4.1: 1 of 1,613,374 alleles (0.000062%); highest among the groups gnomAD compares: Admixed American, 0.0017%; no homozygotes.

Submissions (3):

Victorian Clinical Genetics Services, Murdoch Childrens Research Institute
Classification: Uncertain significance for Intellectual developmental disorder, autosomal dominant 64. Last evaluated: 2026-07-17. Review status: criteria provided, single submitter. Criteria: ACMG Guidelines, 2015. Collection method: clinical testing. Allele origin: germline. Affected: yes.
Comment: This variant is classified as VUS-3A. Evidence in support of pathogenic classification: This variant is predicted to result in a truncated protein (premature termination codon is NOT located at least 54 nucleotides upstream of the final exon-exon junction) with less than 1/3 of the protein sequence affected; This variant is present in gnomAD <0.001 for a dominant condition (v4: 1 heterozygote(s), 0 homozygote(s)); This variant has moderate previous evidence of pathogenicity in unrelated individuals. This variant has been classified as pathogenic by multiple clinical laboratories in ClinVar. This has also been reported in an individual in a neurodevelopmental disorder cohort (PMID: 33004838) and as de novo in an individual who also has a likely pathogenic de novo variant in the SMARCA4 gene (DECIPHER, PMID: 40777882) Additional information: This variant is heterozygous; This gene is associated with autosomal dominant disease; No published evidence of segregation with disease has been identified for this variant; No published functional evidence has been identified for this variant; Other variant(s) comparable to the one identified in this case have inconclusive previous evidence for pathogenicity. There are many downstream truncating variants classified as a VUS by clinical laboratories in ClinVar, as well as conflicting likely pathogenic and VUS entries for p.(Arg2335*). In addition, p.(Ser2313Valfs*2) and p.(Val2435Glyfs*4) have been reported in siblings with ZNF292-related features and their unaffected father (PMID: 31723249); Variant is located in the annotated zinc finger protein 292, C2H2-type zinc finger domain (DECIPHER); Loss of function is a likely mechanism of disease in this gene and is associated with autosomal dominant intellectual developmental disorder 64 (MIM#619188); however, dominant negative has not been excluded (PMID: 31723249); Variants in this gene are known to have variable expressivity (PMID: 31723249).

Institute of Immunology and Genetics Kaiserslautern
Classification: Pathogenic for Intellectual developmental disorder, autosomal dominant 64. Last evaluated: 2023-03-10. Review status: criteria provided, single submitter. Criteria: ACMG Guidelines, 2015. Collection method: clinical testing. Allele origin: germline. Affected: yes.
Comment: ACMG Criteria: PVS1, PM2, PP5; Variant was found in heterozygous state.

GeneDx
Classification: Pathogenic. Last evaluated: 2022-10-19. Review status: criteria provided, single submitter. Criteria: GeneDx Variant Classification Process June 2021. Collection method: clinical testing. Allele origin: germline. Affected: yes.
Comment: Reported in one individual from a large neurodevelopmental disorder cohort in published literature; detailed clinical information not provided (Wang et al., 2020); Nonsense variant in the C-terminus predicted to result in protein truncation, as the last 449 amino acids are lost, and other loss-of-function variants have been reported downstream in the Human Gene Mutation Database (HGMD); Not observed in large population cohorts (gnomAD); This variant is associated with the following publications: (PMID: 33004838)

Literature cited by the submitters: PubMed 31723249 (cited by Victorian Clinical Genetics Services, Murdoch Childrens Research Institute).

NM_015021.3(ZNF292):c.6823C>T (p.Arg2275Ter)

Gene: ZNF292 (zinc finger protein 292; plus strand). Cytogenetic location: 6q14.3.
Variant type: single nucleotide variant.
Coding change: c.6823C>T on transcript NM_015021.3 (MANE Select); coding-DNA position 6823, C replaced by T.
Protein change: p.Arg2275Ter; replaces arginine 2275 with a stop codon.
Molecular consequence: nonsense.
Genome position (GRCh38, 1-based): chr6:87,260,452, C>T. VCF-style: chr6-87260452-C-T. GRCh37 (hg19) VCF-style: chr6-87970170-C-T.
Other names: c.6403C>T, p.Arg2135Ter (NM_001351444.2); short protein forms R2135*, R2275*.
Identifiers: ClinVar variation 1711978 (VCV001711978.4), dbSNP rs1775506324, ClinGen allele CA364940535.
Genomic context (GRCh38, chr6:87,260,452, plus strand): 5'-GTATACAAATGTGATTGTGAAGGCTGTGACCGTATATATGCAACCCGGTCGAATCTCCTC[C>T]GACACATTTTTAATAAGCATAATGACAAACATAAGGCTCATTTGATTCGTCCAAGAAGAT-3'